The following is an entry in ClinVar:

NM_001253697.2(ERBIN):c.471T>G (p.Phe157Leu)

Gene: ERBIN (erbb2 interacting protein; plus strand). Cytogenetic location: 5q12.3.
Variant type: single nucleotide variant.
Coding change: c.471T>G on transcript NM_001253697.2 (MANE Select); coding-DNA position 471, T replaced by G.
Protein change: p.Phe157Leu; replaces phenylalanine 157 with leucine.
Molecular consequence: missense variant.
Genome position (GRCh38, 1-based): chr5:66,013,633, T>G. VCF-style: chr5-66013633-T-G. GRCh37 (hg19) VCF-style: chr5-65309461-T-G.
Other names: c.471T>G, p.Phe157Leu (NM_001253699.2, NM_001253701.2, NM_018695.4 and 2 more transcripts); short protein forms F157L.
Identifiers: ClinVar variation 2739688 (VCV002739688.3), dbSNP rs1754429007, ClinGen allele CA359974143.

ClinVar aggregate classification (germline): Uncertain significance (1 of 4 stars; one submission).

Allele frequency attached by ClinVar (database versions not stated): gnomAD exomes 0.00001.
gnomAD v4.1: 12 of 1,610,394 alleles (0.00075%); highest among the groups gnomAD compares: Admixed American, 0.0017%; no homozygotes.

Submission:

Labcorp Genetics (formerly Invitae), Labcorp
Classification: Uncertain significance. Last evaluated: 2025-05-11. Review status: criteria provided, single submitter. Criteria: Invitae Variant Classification Sherloc (09022015). Collection method: clinical testing. Allele origin: germline.
Comment: This sequence change replaces phenylalanine, which is neutral and non-polar, with leucine, which is neutral and non-polar, at codon 157 of the ERBIN protein (p.Phe157Leu). This variant is not present in population databases (gnomAD no frequency). This variant has not been reported in the literature in individuals affected with ERBIN-related conditions. ClinVar contains an entry for this variant (Variation ID: 2739688). An algorithm developed to predict the effect of missense changes on protein structure and function (PolyPhen-2) suggests that this variant is likely to be disruptive. In summary, the available evidence is currently insufficient to determine the role of this variant in disease. Therefore, it has been classified as a Variant of Uncertain Significance.